The following is an entry in ClinVar:

NM_003728.4(UNC5C):c.1807C>T (p.Arg603Cys)

Gene: UNC5C (unc-5 netrin receptor C; minus strand). Cytogenetic location: 4q22.3.
Variant type: single nucleotide variant.
Coding change: c.1807C>T on transcript NM_003728.4 (MANE Select); coding-DNA position 1807, C replaced by T.
Protein change: p.Arg603Cys; replaces arginine 603 with cysteine.
Molecular consequence: missense variant.
Genome position (GRCh38, 1-based): chr4:95,206,723, G>A on the plus strand (C>T on the coding strand, the complement: UNC5C is on the minus strand). VCF-style: chr4-95206723-G-A. GRCh37 (hg19) VCF-style: chr4-96127874-G-A.
Other names: short protein forms R603C.
Identifiers: ClinVar variation 2672996 (VCV002672996.23), dbSNP rs139568380, ClinGen allele CA3015581.

ClinVar aggregate classification (germline): Likely benign (1 of 4 stars; one submission).

Allele frequency attached by ClinVar (database versions not stated): 1000 Genomes Project 0.00040; 1000 Genomes Project 30x 0.00047; ExAC 0.00093; TOPMed 0.00106; gnomAD 0.00109; ESP Exome Variant Server 0.00154; gnomAD exomes 0.00165.
gnomAD v4.1: 2,558 of 1,613,950 alleles (0.16%); highest among the groups gnomAD compares: Non-Finnish European, 0.2%; 3 homozygotes.

Submission:

CeGaT Center for Human Genetics Tuebingen
Classification: Likely benign. Last evaluated: 2023-11-01. Review status: criteria provided, single submitter. Criteria: CeGaT Center For Human Genetics Tuebingen Variant Classification Criteria Version 2. Collection method: clinical testing. Allele origin: germline. Affected: yes. Observed: 1 variant allele.
Comment: UNC5C: BS2